The following is an entry in ClinVar:

NM_006017.3(PROM1):c.1709_1710insAA (p.Tyr570Ter)

Gene: PROM1 (prominin 1; minus strand). Cytogenetic location: 4p15.32.
Variant type: Insertion.
Coding change: c.1709_1710insAA on transcript NM_006017.3 (MANE Select); coding-DNA positions 1709 to 1710, AA inserted.
Protein change: p.Tyr570Ter; replaces tyrosine 570 with a stop codon.
Molecular consequence: nonsense.
Genome position: GRCh38 VCF-style: chr4-15994044-G-GTT. GRCh37 (hg19) VCF-style: chr4-15995667-G-GTT.
Other names: c.1682_1683insAA, p.Tyr561Ter (NM_001145847.2, NM_001145848.2, NM_001145851.2 and 4 more transcripts); c.1709_1710insAA, p.Tyr570Ter (NM_001145849.2, NM_001145850.2); short protein forms Y561*, Y570*.
Identifiers: ClinVar variation 958693 (VCV000958693.9), dbSNP rs1721714409, ClinGen allele CA1139658443.

ClinVar aggregate classification (germline): Pathogenic (1 of 4 stars; one submission).

Submission:

Labcorp Genetics (formerly Invitae), Labcorp
Classification: Pathogenic. Last evaluated: 2023-04-26. Review status: criteria provided, single submitter. Criteria: Invitae Variant Classification Sherloc (09022015). Collection method: clinical testing. Allele origin: germline.
Comment: This sequence change creates a premature translational stop signal (p.Tyr570*) in the PROM1 gene. It is expected to result in an absent or disrupted protein product. Loss-of-function variants in PROM1 are known to be pathogenic (PMID: 17605048, 19718270, 24154662, 25474345). For these reasons, this variant has been classified as Pathogenic. ClinVar contains an entry for this variant (Variation ID: 958693). This premature translational stop signal has been observed in individual(s) with autosomal recessive retinitis pigmentosa (PMID: 28041643). This variant is not present in population databases (gnomAD no frequency).

Literature cited by the submitters: PubMed 17605048; PubMed 19718270; PubMed 24154662; PubMed 25474345; PubMed 28041643.